The following is an entry in ClinVar:

NM_022047.4(DEF6):c.476T>C (p.Leu159Ser)

Gene: DEF6 (DEF6 guanine nucleotide exchange factor; plus strand). Cytogenetic location: 6p21.31.
Variant type: single nucleotide variant.
Coding change: c.476T>C on transcript NM_022047.4 (MANE Select); coding-DNA position 476, T replaced by C.
Protein change: p.Leu159Ser; replaces leucine 159 with serine.
Molecular consequence: missense variant.
Genome position (GRCh38, 1-based): chr6:35,312,354, T>C. VCF-style: chr6-35312354-T-C. GRCh37 (hg19) VCF-style: chr6-35280131-T-C.
Other names: short protein forms L159S.
Identifiers: ClinVar variation 1939455 (VCV001939455.2), dbSNP rs760399698, ClinGen allele CA3770730.

ClinVar aggregate classification (germline): Uncertain significance (1 of 4 stars; one submission).

Allele frequency attached by ClinVar (database versions not stated): ExAC 0.00001; gnomAD exomes 0.00001.
gnomAD v4.1: 17 of 1,614,072 alleles (0.0011%); highest among the groups gnomAD compares: South Asian, 0.0033%; no homozygotes.

Submission:

Labcorp Genetics (formerly Invitae), Labcorp
Classification: Uncertain significance. Last evaluated: 2022-06-27. Review status: criteria provided, single submitter. Criteria: Invitae Variant Classification Sherloc (09022015). Collection method: clinical testing. Allele origin: germline.
Comment: This sequence change replaces leucine, which is neutral and non-polar, with serine, which is neutral and polar, at codon 159 of the DEF6 protein (p.Leu159Ser). This variant is present in population databases (rs760399698, gnomAD 0.002%). This variant has not been reported in the literature in individuals affected with DEF6-related conditions. Algorithms developed to predict the effect of missense changes on protein structure and function (SIFT, PolyPhen-2, Align-GVGD) all suggest that this variant is likely to be tolerated. In summary, the available evidence is currently insufficient to determine the role of this variant in disease. Therefore, it has been classified as a Variant of Uncertain Significance.